The following is an entry in ClinVar:

NM_005886.3(KATNB1):c.888C>T (p.Ser296=)

Gene: KATNB1 (katanin regulatory subunit B1; plus strand). Cytogenetic location: 16q21.
Variant type: single nucleotide variant.
Coding change: c.888C>T on transcript NM_005886.3 (MANE Select); coding-DNA position 888, C replaced by T.
Protein change: p.Ser296=; no amino-acid change (serine 296 retained).
Molecular consequence: synonymous variant.
Genome position (GRCh38, 1-based): chr16:57,753,109, C>T. VCF-style: chr16-57753109-C-T. GRCh37 (hg19) VCF-style: chr16-57787021-C-T.
Identifiers: ClinVar variation 4978678 (VCV004978678.1).

ClinVar aggregate classification (germline): Likely benign (1 of 4 stars; one submission).

Conditions:
KATNB1-related disorder. Also called: KATNB1-related condition.

gnomAD v4.1: 41 of 1,609,166 alleles (0.0025%); highest among the groups gnomAD compares: Non-Finnish European, 0.0034%; no homozygotes.

Submission:

PreventionGenetics, part of Exact Sciences
Classification: Likely benign for KATNB1-related condition. Last evaluated: 2025-06-30. Review status: criteria provided, single submitter. Criteria: ACMG Guidelines, 2015. Collection method: clinical testing. Allele origin: germline.
Comment: This variant is classified as likely benign based on ACMG/AMP sequence variant interpretation guidelines (Richards et al. 2015 PMID: 25741868, with internal and published modifications).